The following is an entry in ClinVar:

NM_198253.3(TERT):c.2832C>A (p.Ser944Arg)

Gene: TERT (telomerase reverse transcriptase; minus strand). Cytogenetic location: 5p15.33.
Variant type: single nucleotide variant.
Coding change: c.2832C>A on transcript NM_198253.3 (MANE Select); coding-DNA position 2832, C replaced by A.
Protein change: p.Ser944Arg; replaces serine 944 with arginine.
Molecular consequence: missense variant. On other transcripts: intron variant (1).
Genome position (GRCh38, 1-based): chr5:1,264,415, G>T on the plus strand (C>A on the coding strand, the complement: TERT is on the minus strand). VCF-style: chr5-1264415-G-T. GRCh37 (hg19) VCF-style: chr5-1264530-G-T.
Other names: c.2654+2049C>A (NM_001193376.3); c.2832C>A (NM_198253.2); short protein forms S944R.
Identifiers: ClinVar variation 1375850 (VCV001375850.7), dbSNP rs1192852544, ClinGen allele CA359071422.

ClinVar aggregate classification (germline): Uncertain significance. Review status: criteria provided, multiple submitters, no conflicts (2 of 4 stars). 2 submissions from 2 submitters: Uncertain significance (2). Last evaluated 2023-01-02.

Conditions:
Idiopathic Pulmonary Fibrosis. Also called: Idiopathic fibrosing alveolitis, chronic form; idiopathic fibrosing alveolitis. Identifiers: Orphanet 2032, MedGen C1800706, MeSH D054990, MONDO:0800504.
Dyskeratosis congenita, autosomal dominant 2. Identifiers: MedGen C3151443, MONDO:0013521, OMIM 613989.
Dyskeratosis congenita. Identifiers: Orphanet 1775, MedGen C0265965, MONDO:0015780.

Submissions (2):

Ambry Genetics
Classification: Uncertain significance for Dyskeratosis congenita. Last evaluated: 2023-01-02. Review status: criteria provided, single submitter. Criteria: Ambry Variant Classification Scheme 2023. Collection method: clinical testing. Allele origin: germline.
Comment: The p.S944R variant (also known as c.2832C>A), located in coding exon 11 of the TERT gene, results from a C to A substitution at nucleotide position 2832. The serine at codon 944 is replaced by arginine, an amino acid with dissimilar properties. This amino acid position is conserved. In addition, this alteration is predicted to be tolerated by in silico analysis. Since supporting evidence is limited at this time, the clinical significance of this alteration remains unclear.

Labcorp Genetics (formerly Invitae), Labcorp
Classification: Uncertain significance for Dyskeratosis congenita, autosomal dominant 2; Idiopathic Pulmonary Fibrosis. Last evaluated: 2021-09-24. Review status: criteria provided, single submitter. Criteria: Invitae Variant Classification Sherloc (09022015). Collection method: clinical testing. Allele origin: germline.
Comment: This sequence change replaces serine with arginine at codon 944 of the TERT protein (p.Ser944Arg). The serine residue is weakly conserved and there is a moderate physicochemical difference between serine and arginine. This variant is not present in population databases (ExAC no frequency). This variant has not been reported in the literature in individuals with TERT-related conditions. Advanced modeling of protein sequence and biophysical properties (such as structural, functional, and spatial information, amino acid conservation, physicochemical variation, residue mobility, and thermodynamic stability) performed at Invitae indicates that this missense variant is not expected to disrupt TERT protein function. In summary, the available evidence is currently insufficient to determine the role of this variant in disease. Therefore, it has been classified as a Variant of Uncertain Significance.